The following is an entry in ClinVar:

ClinVar aggregate classification (germline): Uncertain significance (1 of 4 stars; one submission).

Conditions:
Dilated cardiomyopathy 1G (CMD1G). Identifiers: Orphanet 154, MedGen C1858763, MONDO:0011400, OMIM 604145.
Autosomal recessive limb-girdle muscular dystrophy type 2J (LGMDR10). Also called: Limb-girdle muscular dystrophy, type 2J; MUSCULAR DYSTROPHY, LIMB-GIRDLE, AUTOSOMAL RECESSIVE 10. Identifiers: Orphanet 140922, MedGen C1837342, MONDO:0012127, OMIM 608807.

Submission:

Labcorp Genetics (formerly Invitae), Labcorp
Classification: Uncertain significance for Dilated cardiomyopathy 1G; Autosomal recessive limb-girdle muscular dystrophy type 2J. Last evaluated: 2021-08-12. Review status: criteria provided, single submitter. Criteria: Invitae Variant Classification Sherloc (09022015). Collection method: clinical testing. Allele origin: germline.
Comment: This variant results in a copy number gain of the genomic region encompassing exon(s) 210-220 of the TTN gene. While the exact position of this variant cannot be determined from the data, sub-genic copy number gains are generally in tandem (PMID: 25640679). This variant is predicted to be in-frame, and likely preserves the integrity of the reading frame. This variant has not been reported in the literature in individuals affected with TTN-related conditions. Experimental studies and prediction algorithms are not available or were not evaluated, and the functional significance of this variant is currently unknown. In summary, the available evidence is currently insufficient to determine the role of this variant in disease. Therefore, it has been classified as a Variant of Uncertain Significance.

Literature cited by the submitters: PubMed 25640679.

NC_000002.11:g.(?_179505968)_(179514998_?)dup

Gene: TTN (titin; minus strand). Cytogenetic location: 2q31.2.
Variant type: Duplication.
Identifiers: ClinVar variation 1399790 (VCV001399790.7).